The following is an entry in ClinVar:

NM_152296.5(ATP1A3):c.1928G>C (p.Ser643Thr)

Gene: ATP1A3 (ATPase Na+/K+ transporting subunit alpha 3; minus strand). Cytogenetic location: 19q13.2.
Variant type: single nucleotide variant.
Coding change: c.1928G>C on transcript NM_152296.5 (MANE Select); coding-DNA position 1928, G replaced by C.
Protein change: p.Ser643Thr; replaces serine 643 with threonine.
Molecular consequence: missense variant.
Genome position (GRCh38, 1-based): chr19:41,977,951, C>G on the plus strand (G>C on the coding strand, the complement: ATP1A3 is on the minus strand). VCF-style: chr19-41977951-C-G. GRCh37 (hg19) VCF-style: chr19-42482103-C-G.
Other names: c.1961G>C, p.Ser654Thr (NM_001256213.2); c.1967G>C, p.Ser656Thr (NM_001256214.2); short protein forms S643T, S656T, S654T.
Identifiers: ClinVar variation 1996790 (VCV001996790.4), dbSNP rs2145964356, ClinGen allele CA406044845.

ClinVar aggregate classification (germline): Uncertain significance (1 of 4 stars; one submission).

Conditions:
Dystonia 12 (DYT12). Also called: Rapid-Onset Dystonia-Parkinsonism (RDP); DYT-ATP1A3. Identifiers: Orphanet 71517, MedGen C1868681, MONDO:0007496, OMIM 128235.

Submission:

Labcorp Genetics (formerly Invitae), Labcorp
Classification: Uncertain significance for Dystonia 12. Last evaluated: 2022-05-20. Review status: criteria provided, single submitter. Criteria: Invitae Variant Classification Sherloc (09022015). Collection method: clinical testing. Allele origin: germline.
Comment: Algorithms developed to predict the effect of sequence changes on RNA splicing suggest that this variant may create or strengthen a splice site. In summary, the available evidence is currently insufficient to determine the role of this variant in disease. Therefore, it has been classified as a Variant of Uncertain Significance. This sequence change replaces serine, which is neutral and polar, with threonine, which is neutral and polar, at codon 643 of the ATP1A3 protein (p.Ser643Thr). This variant is not present in population databases (gnomAD no frequency). This variant has not been reported in the literature in individuals affected with ATP1A3-related conditions. Advanced modeling of protein sequence and biophysical properties (such as structural, functional, and spatial information, amino acid conservation, physicochemical variation, residue mobility, and thermodynamic stability) performed at Invitae indicates that this missense variant is not expected to disrupt ATP1A3 protein function.